The following is an entry in ClinVar:

ClinVar aggregate classification (germline): Likely pathogenic. Review status: criteria provided, multiple submitters, no conflicts (2 of 4 stars). 7 submissions from 7 submitters: Likely pathogenic (7). Last evaluated 2025-03-18.

Conditions:
Hereditary cancer-predisposing syndrome. Also called: Neoplastic Syndromes, Hereditary; Hereditary neoplastic syndrome; Tumor predisposition; Hereditary Cancer Syndrome. Identifiers: Orphanet 140162, MedGen C0027672, MeSH D009386, MONDO:0015356.
Familial cancer of breast. Also called: hereditary breast carcinoma; Hereditary breast cancer; BREAST CANCER, FAMILIAL. Identifiers: Orphanet 227535, MedGen C0346153, MONDO:0016419, OMIM 114480. Disease mechanism: loss of function.
Malignant tumor of breast. Also called: Malignant breast neoplasm; Cancer breast. Identifiers: MedGen C0006142, MONDO:0007254. Disease mechanism: loss of function.
Ataxia-telangiectasia syndrome (AT). Also called: Ataxia telangiectasia (A-T); Cerebello-oculocutaneous telangiectasia; Immunodeficiency with ataxia telangiectasia; LOUIS-BAR SYNDROME; AT, COMPLEMENTATION GROUP C; ATAXIA-TELANGIECTASIA, FRESNO VARIANT. Identifiers: Orphanet 100, MedGen C0004135, MONDO:0008840, OMIM 208900.

Submissions (7):

Ambry Genetics
Classification: Likely pathogenic for Hereditary cancer-predisposing syndrome. Last evaluated: 2025-03-18. Review status: criteria provided, single submitter. Criteria: Ambry Variant Classification Scheme 2023. Collection method: clinical testing. Allele origin: germline.
Comment: The c.8268+1G>T intronic variant results from a G to T substitution one nucleotide after coding exon 55 of the ATM gene. In silico splice site analysis predicts that this alteration will weaken the native splice donor site. RNA studies have demonstrated that this alteration results in abnormal splicing in the set of samples tested (Ambry internal data). The resulting transcript is predicted to be in-frame and is not expected to trigger nonsense-mediated mRNAdecay; however, direct evidence is unavailable. The exact functional effect of the altered amino acid sequence is unknown; however, the impacted region is critical for protein function (Ambry internal data). This nucleotide position is highly conserved in available vertebrate species. Based on the majority of available evidence to date, this variant is likely to be pathogenic.

Labcorp Genetics (formerly Invitae), Labcorp
Classification: Likely pathogenic for Ataxia-telangiectasia syndrome. Last evaluated: 2025-02-07. Review status: criteria provided, single submitter. Criteria: Invitae Variant Classification Sherloc (09022015). Collection method: clinical testing. Allele origin: germline.
Comment: This sequence change affects a donor splice site in intron 56 of the ATM gene. It is expected to disrupt RNA splicing. Variants that disrupt the donor or acceptor splice site typically lead to a loss of protein function (PMID: 16199547), and loss-of-function variants in ATM are known to be pathogenic (PMID: 23807571, 25614872). This variant is not present in population databases (gnomAD no frequency). Disruption of this splice site has been observed in individual(s) with lung adenocarcinoma (PMID: 33858029). ClinVar contains an entry for this variant (Variation ID: 231097). Algorithms developed to predict the effect of sequence changes on RNA splicing suggest that this variant may disrupt the consensus splice site. In summary, the currently available evidence indicates that the variant is pathogenic, but additional data are needed to prove that conclusively. Therefore, this variant has been classified as Likely Pathogenic.

Myriad Genetics, Inc.
Classification: Likely pathogenic for Familial cancer of breast. Last evaluated: 2024-02-01. Review status: criteria provided, single submitter. Criteria: Myriad Autosomal Dominant, Autosomal Recessive and X-Linked Classification Criteria (2023). Collection method: clinical testing. Allele origin: unknown.
Comment: This variant is considered likely pathogenic. This variant occurs within a consensus splice junction and is predicted to result in abnormal mRNA splicing of either an out-of-frame exon or an in-frame exon necessary for protein stability and/or normal function.

Baylor Genetics
Classification: Likely pathogenic for Familial cancer of breast. Last evaluated: 2023-08-08. Review status: criteria provided, single submitter. Criteria: ACMG Guidelines, 2015. Collection method: clinical testing. Allele origin: unknown.

Women's Health and Genetics/Laboratory Corporation of America, LabCorp
Classification: Likely pathogenic for Malignant tumor of breast. Last evaluated: 2023-05-18. Review status: criteria provided, single submitter. Criteria: LabCorp Variant Classification Summary - May 2015. Collection method: clinical testing. Allele origin: germline.
Comment: Variant summary: ATM c.8268+1G>T is located in a canonical splice-site and is predicted to affect mRNA splicing resulting in a significantly altered protein due to either exon skipping, shortening, or inclusion of intronic material. Several computational tools predict a significant impact on normal splicing: Four predict the variant abolishes a canonical 5' splicing donor site. However, these predictions have yet to be confirmed by functional studies. The variant was absent in 250702 control chromosomes (gnomAD). c.8268+1G>T has been reported in the literature in at least one individual affected with Lung Cancer (Reckamp_2021). These data do not allow any conclusion about variant significance. To our knowledge, no experimental evidence demonstrating an impact on protein function has been reported. The following publication has been ascertained in the context of this evaluation (PMID: 33858029). Four ClinVar submitters have assessed the variant since 2014: all four classified the variant as likely pathogenic. Based on the evidence outlined above, the variant was classified as likely pathogenic.

Color Diagnostics, LLC DBA Color Health
Classification: Likely pathogenic for Hereditary cancer-predisposing syndrome. Last evaluated: 2020-09-28. Review status: criteria provided, single submitter. Criteria: ACMG Guidelines, 2015. Collection method: clinical testing. Allele origin: germline.
Comment: This variant causes a G>T nucleotide substitution at the +1 position of intron 56 splice donor site of the ATM gene. Splice site prediction tools predict that this variant may have a significant impact on RNA splicing. Although functional studies have not been reported for this variant, this variant is predicted to cause an in-frame deletion of exon 56 that encodes a part of the kinase domain. A Likely Pathogenic missense variant has been reported in this exon (Clinvar variation ID: 646274), suggesting that exon 56 is important for ATM function and this splice variant is likely to impair ATM protein function. This variant has not been reported in individuals affected with hereditary cancer in the literature. This variant has not been identified in the general population by the Genome Aggregation Database (gnomAD). Loss of ATM function is a known mechanism of disease. Based on the available evidence, this variant is classified as Likely Pathogenic.

Mendelics
Classification: Likely pathogenic for Ataxia-telangiectasia syndrome. Last evaluated: 2019-05-28. Review status: criteria provided, single submitter. Criteria: Mendelics Assertion Criteria 2017. Collection method: clinical testing. Allele origin: unknown.

Literature cited by the submitters: PubMed 16199547 (cited by Labcorp Genetics (formerly Invitae), Labcorp); PubMed 23807571 (cited by Labcorp Genetics (formerly Invitae), Labcorp); PubMed 25614872 (cited by Labcorp Genetics (formerly Invitae), Labcorp); PubMed 33858029 (cited by Labcorp Genetics (formerly Invitae), Labcorp and Women's Health and Genetics/Laboratory Corporation of America, LabCorp).

NM_000051.4(ATM):c.8268+1G>T

Genes: C11orf65 (chromosome 11 open reading frame 65; minus strand), ATM (ATM serine/threonine kinase; plus strand). Cytogenetic location: 11q22.3.
Variant type: single nucleotide variant.
Coding change: c.8268+1G>T on transcript NM_000051.4 (MANE Select); the canonical splice donor site of the intron after coding-DNA position 8268, G replaced by T.
Molecular consequence: splice donor variant. On other transcripts: intron variant (2).
Genome position (GRCh38, 1-based): chr11:108,335,962, G>T. VCF-style: chr11-108335962-G-T. GRCh37 (hg19) VCF-style: chr11-108206689-G-T.
Other names: c.8268+1G>T (NM_001351834.2); c.641-26891C>A (NM_001330368.2); c.695-670C>A (NM_001351110.2).
Identifiers: ClinVar variation 231097 (VCV000231097.20), dbSNP rs876658957, ClinGen allele CA10579293.